The following is an entry in ClinVar:

NM_002661.5(PLCG2):c.2060G>A (p.Arg687Lys)

Gene: PLCG2 (phospholipase C gamma 2; plus strand). Cytogenetic location: 16q23.3.
Variant type: single nucleotide variant.
Coding change: c.2060G>A on transcript NM_002661.5 (MANE Select); coding-DNA position 2060, G replaced by A.
Protein change: p.Arg687Lys; replaces arginine 687 with lysine.
Molecular consequence: missense variant.
Genome position (GRCh38, 1-based): chr16:81,919,489, G>A. VCF-style: chr16-81919489-G-A. GRCh37 (hg19) VCF-style: chr16-81953094-G-A.
Other names: short protein forms R687K.
Identifiers: ClinVar variation 1495591 (VCV001495591.6), dbSNP rs770193044, ClinGen allele CA396901823.

ClinVar aggregate classification (germline): Uncertain significance (1 of 4 stars; one submission).

Conditions:
Familial cold autoinflammatory syndrome 3 (FCAS3). Also called: FAMILIAL ATYPICAL COLD URTICARIA; ANTIBODY DEFICIENCY AND IMMUNE DYSREGULATION, PLCG2-ASSOCIATED. Identifiers: Orphanet 300359, MedGen C3280914, MONDO:0013766, OMIM 614468.

Allele frequency attached by ClinVar (database versions not stated): TOPMed below 0.00001.

Submission:

Labcorp Genetics (formerly Invitae), Labcorp
Classification: Uncertain significance for Familial cold autoinflammatory syndrome 3. Last evaluated: 2021-12-22. Review status: criteria provided, single submitter. Criteria: Invitae Variant Classification Sherloc (09022015). Collection method: clinical testing. Allele origin: germline.
Comment: In summary, the available evidence is currently insufficient to determine the role of this variant in disease. Therefore, it has been classified as a Variant of Uncertain Significance. Algorithms developed to predict the effect of missense changes on protein structure and function output the following: SIFT: "Tolerated"; PolyPhen-2: "Benign"; Align-GVGD: "Class C0". The lysine amino acid residue is found in multiple mammalian species, which suggests that this missense change does not adversely affect protein function. This variant has not been reported in the literature in individuals affected with PLCG2-related conditions. This variant is not present in population databases (gnomAD no frequency). This sequence change replaces arginine, which is basic and polar, with lysine, which is basic and polar, at codon 687 of the PLCG2 protein (p.Arg687Lys).